The following is an entry in ClinVar:

ClinVar aggregate classification (germline): Uncertain significance (1 of 4 stars; one submission).

Submission:

Labcorp Genetics (formerly Invitae), Labcorp
Classification: Uncertain significance. Last evaluated: 2022-07-06. Review status: criteria provided, single submitter. Criteria: Invitae Variant Classification Sherloc (09022015). Collection method: clinical testing. Allele origin: germline.
Comment: This sequence change replaces threonine, which is neutral and polar, with serine, which is neutral and polar, at codon 587 of the SI protein (p.Thr587Ser). This variant is not present in population databases (gnomAD no frequency). This variant has not been reported in the literature in individuals affected with SI-related conditions. ClinVar contains an entry for this variant (Variation ID: 1058963). Algorithms developed to predict the effect of missense changes on protein structure and function output the following: SIFT: "Tolerated"; PolyPhen-2: "Benign"; Align-GVGD: "Class C0". The serine amino acid residue is found in multiple mammalian species, which suggests that this missense change does not adversely affect protein function. Algorithms developed to predict the effect of sequence changes on RNA splicing suggest that this variant may create or strengthen a splice site. In summary, the available evidence is currently insufficient to determine the role of this variant in disease. Therefore, it has been classified as a Variant of Uncertain Significance.

NM_001041.4(SI):c.1760C>G (p.Thr587Ser)

Gene: SI (sucrase-isomaltase; minus strand). Cytogenetic location: 3q26.1.
Variant type: single nucleotide variant.
Coding change: c.1760C>G on transcript NM_001041.4 (MANE Select); coding-DNA position 1760, C replaced by G.
Protein change: p.Thr587Ser; replaces threonine 587 with serine.
Molecular consequence: missense variant.
Genome position (GRCh38, 1-based): chr3:165,046,968, G>C on the plus strand (C>G on the coding strand, the complement: SI is on the minus strand). VCF-style: chr3-165046968-G-C. GRCh37 (hg19) VCF-style: chr3-164764756-G-C.
Other names: short protein forms T587S.
Identifiers: ClinVar variation 1058963 (VCV001058963.9), dbSNP rs2108228512, ClinGen allele CA355052328.